The following is an entry in ClinVar:

ClinVar aggregate classification (germline): Uncertain significance (1 of 4 stars; one submission).

Conditions:
Inborn genetic diseases. Identifiers: MedGen C0950123, MeSH D030342.

Submission:

Ambry Genetics
Classification: Uncertain significance for Inborn genetic diseases. Last evaluated: 2025-09-28. Review status: criteria provided, single submitter. Criteria: Ambry Variant Classification Scheme 2023. Collection method: clinical testing. Allele origin: germline.
Comment: The p.C1624S variant (also known as c.4870T>A), located in coding exon 20 of the FANCM gene, results from a T to A substitution at nucleotide position 4870. The cysteine at codon 1624 is replaced by serine, an amino acid with dissimilar properties. This amino acid position is conserved. In addition, this alteration is predicted to be tolerated by in silico analysis. Based on the available evidence, the clinical significance of this variant remains unclear.

NM_020937.4(FANCM):c.4870T>A (p.Cys1624Ser)

Gene: FANCM (FA complementation group M; plus strand). Cytogenetic location: 14q21.2.
Variant type: single nucleotide variant.
Coding change: c.4870T>A on transcript NM_020937.4 (MANE Select); coding-DNA position 4870, T replaced by A.
Protein change: p.Cys1624Ser; replaces cysteine 1624 with serine.
Molecular consequence: missense variant.
Genome position (GRCh38, 1-based): chr14:45,188,892, T>A. VCF-style: chr14-45188892-T-A. GRCh37 (hg19) VCF-style: chr14-45658095-T-A.
Other names: c.4792T>A, p.Cys1598Ser (NM_001308133.2); short protein forms C1598S, C1624S.
Identifiers: ClinVar variation 4619457 (VCV004619457.1).
Genomic context (GRCh38, chr14:45,188,892, plus strand): 5'-GATAGTTTTTGTGTTGATGAAGAGGAGTCTTGCAAAGGCCAATCAAGTGAAGAAGAAGTT[T>A]GTGTTGATTTTAACTTAATAACTGATGATTGCTTTGCAAATAGTAAAAAGTATAAAACTC-3'
Protein context (NP_065988.1, residues 1614-1634): CKGQSSEEEV[Cys1624Ser]VDFNLITDDC